The following is an entry in ClinVar:

ClinVar aggregate classification (germline): Benign. Review status: criteria provided, single submitter (1 of 4 stars). 2 submissions from 2 submitters: Benign (1). 1 of the submissions does not count toward it. Last evaluated 2019-12-31.

Conditions:
VWA2-related disorder. Also called: VWA2-related condition.

Allele frequency attached by ClinVar (database versions not stated): 1000 Genomes Project 30x 0.00390; 1000 Genomes Project 0.00419; gnomAD exomes 0.00675; ExAC 0.00682; gnomAD 0.00691 and 0.00708; TOPMed 0.00746; ESP Exome Variant Server 0.00792.
gnomAD v4.1: 17,029 of 1,608,010 alleles (1.1%); highest among the groups gnomAD compares: Non-Finnish European, 1.3%; 129 homozygotes.

Submissions (2):

Labcorp Genetics (formerly Invitae), Labcorp
Classification: Benign. Last evaluated: 2019-12-31. Review status: criteria provided, single submitter. Criteria: Invitae Variant Classification Sherloc (09022015). Collection method: clinical testing. Allele origin: germline.

PreventionGenetics, part of Exact Sciences
Classification: Benign for VWA2-related condition. Last evaluated: 2022-10-13. Review status: no assertion criteria provided. Collection method: clinical testing. Allele origin: germline. Not counted in ClinVar's aggregate classification.
Comment: This variant is classified as benign based on ACMG/AMP sequence variant interpretation guidelines (Richards et al. 2015 PMID: 25741868, with internal and published modifications).

NM_001272046.2(VWA2):c.700+6A>C

Gene: VWA2 (von Willebrand factor A domain containing 2; plus strand). Cytogenetic location: 10q25.3.
Variant type: single nucleotide variant.
Coding change: c.700+6A>C on transcript NM_001272046.2 (MANE Select); 6 bases into the intron after coding-DNA position 700, A replaced by C.
Molecular consequence: intron variant.
Genome position (GRCh38, 1-based): chr10:114,278,053, A>C. VCF-style: chr10-114278053-A-C. GRCh37 (hg19) VCF-style: chr10-116037812-A-C.
Other names: c.700+6A>C (NM_001320804.1).
Identifiers: ClinVar variation 784517 (VCV000784517.6), dbSNP rs192338744, ClinGen allele CA5700403.
Genomic context (GRCh38, chr10:114,278,053, plus strand): 5'-AACGGCCTCTTCAGCACCCTCAGCAGCTCGGCCATCTGCTCCAGCGCCACGCCAGGTAAG[A>C]TCTTCCAGCCTGGAGGGAGTGGAAGTGCCATGTGGGGTCGGGGAGGGCTCCCTGAGGCAA-3'